The following is an entry in ClinVar:

ClinVar aggregate classification (germline): Likely benign (1 of 4 stars; one submission).

Conditions:
COL2A1-related disorder. Also called: COL2A1-related condition; COL2A1-related disorders.

gnomAD v4.1: 10 of 1,614,046 alleles (0.00062%); highest among the groups gnomAD compares: Non-Finnish European, 0.00085%; no homozygotes.

Submission:

PreventionGenetics, part of Exact Sciences
Classification: Likely benign for COL2A1-related condition. Last evaluated: 2026-04-28. Review status: criteria provided, single submitter. Criteria: ACMG Guidelines, 2015. Collection method: clinical testing. Allele origin: germline.
Comment: This variant is classified as likely benign based on ACMG/AMP sequence variant interpretation guidelines (Richards et al. 2015 PMID: 25741868, with internal and published modifications).

NM_001844.5(COL2A1):c.162C>T (p.Ile54=)

Gene: COL2A1 (collagen type II alpha 1 chain; minus strand). Cytogenetic location: 12q13.11.
Variant type: single nucleotide variant.
Coding change: c.162C>T on transcript NM_001844.5 (MANE Select); coding-DNA position 162, C replaced by T.
Protein change: p.Ile54=; no amino-acid change (isoleucine 54 retained).
Molecular consequence: synonymous variant. On other transcripts: intron variant (1).
Genome position (GRCh38, 1-based): chr12:48,000,049, G>A on the plus strand (C>T on the coding strand, the complement: COL2A1 is on the minus strand). VCF-style: chr12-48000049-G-A. GRCh37 (hg19) VCF-style: chr12-48393832-G-A.
Other names: c.86-1618C>T (NM_033150.3).
Identifiers: ClinVar variation 4986279 (VCV004986279.1).